The following is an entry in ClinVar:

ClinVar aggregate classification (germline): Uncertain significance (1 of 4 stars; one submission).

Conditions:
Nemaline myopathy 2 (NEM2). Also called: Nemaline myopathy 2, autosomal recessive. Identifiers: MedGen C1850569, MONDO:0009725, OMIM 256030.

Submission:

Labcorp Genetics (formerly Invitae), Labcorp
Classification: Uncertain significance for Nemaline myopathy 2. Last evaluated: 2024-01-27. Review status: criteria provided, single submitter. Criteria: Invitae Variant Classification Sherloc (09022015). Collection method: clinical testing. Allele origin: germline.
Comment: This sequence change replaces aspartic acid, which is acidic and polar, with glutamic acid, which is acidic and polar, at codon 1965 of the NEB protein (p.Asp1965Glu). This variant is not present in population databases (gnomAD no frequency). This variant has not been reported in the literature in individuals affected with NEB-related conditions. Experimental studies and prediction algorithms are not available or were not evaluated, and the functional significance of this variant is currently unknown. In summary, the available evidence is currently insufficient to determine the role of this variant in disease. Therefore, it has been classified as a Variant of Uncertain Significance.

NM_001164508.2(NEB):c.5895C>A (p.Asp1965Glu)

Gene: NEB (nebulin; minus strand). Cytogenetic location: 2q23.3.
Variant type: single nucleotide variant.
Coding change: c.5895C>A on transcript NM_001164508.2 (MANE Select); coding-DNA position 5895, C replaced by A.
Protein change: p.Asp1965Glu; replaces aspartic acid 1965 with glutamic acid.
Molecular consequence: missense variant.
Genome position (GRCh38, 1-based): chr2:151,662,210, G>T on the plus strand (C>A on the coding strand, the complement: NEB is on the minus strand). VCF-style: chr2-151662210-G-T. GRCh37 (hg19) VCF-style: chr2-152518724-G-T.
Other names: c.5895C>A, p.Asp1965Glu (NM_001164507.2, NM_001271208.2, NM_004543.5); short protein forms D1965E.
Identifiers: ClinVar variation 2716424 (VCV002716424.1), dbSNP rs1355464439, ClinGen allele CA348805909.